The following is an entry in ClinVar:

ClinVar aggregate classification (germline): Pathogenic (1 of 4 stars; one submission).

Allele frequency attached by ClinVar (database versions not stated): TOPMed below 0.00001; gnomAD exomes 0.00001; ExAC 0.00002.
gnomAD v4.1: 3 of 1,613,976 alleles (0.00019%); highest among the groups gnomAD compares: Admixed American, 0.0033%; no homozygotes.

Submission:

Labcorp Genetics (formerly Invitae), Labcorp
Classification: Pathogenic. Last evaluated: 2025-11-22. Review status: criteria provided, single submitter. Criteria: Invitae Variant Classification Sherloc (09022015). Collection method: clinical testing. Allele origin: germline.
Comment: This sequence change replaces glycine, which is neutral and non-polar, with aspartic acid, which is acidic and polar, at codon 205 of the TSPAN12 protein (p.Gly205Asp). This variant is present in population databases (rs755620037, gnomAD 0.006%). This missense change has been observed in individuals with familial exudative vitreoretinopathy (PMID: 31513438; internal data). It has also been observed to segregate with disease in related individuals. ClinVar contains an entry for this variant (Variation ID: 1026378). An algorithm developed to predict the effect of missense changes on protein structure and function (PolyPhen-2) suggests that this variant is likely to be disruptive. Experimental studies have shown that this missense change affects TSPAN12 function (PMID: 31513438). This variant disrupts the p.Gly205 amino acid residue in TSPAN12. Other variant(s) that disrupt this residue have been observed in individuals with TSPAN12-related conditions (PMID: 31987760), which suggests that this may be a clinically significant amino acid residue. For these reasons, this variant has been classified as Pathogenic.

Literature cited by the submitters: PubMed 31513438; PubMed 31987760.

NM_012338.4(TSPAN12):c.614G>A (p.Gly205Asp)

Gene: TSPAN12 (tetraspanin 12; minus strand). Cytogenetic location: 7q31.31.
Variant type: single nucleotide variant.
Coding change: c.614G>A on transcript NM_012338.4 (MANE Select); coding-DNA position 614, G replaced by A.
Protein change: p.Gly205Asp; replaces glycine 205 with aspartic acid.
Molecular consequence: missense variant.
Genome position (GRCh38, 1-based): chr7:120,788,896, C>T on the plus strand (G>A on the coding strand, the complement: TSPAN12 is on the minus strand). VCF-style: chr7-120788896-C-T. GRCh37 (hg19) VCF-style: chr7-120428950-C-T.
Other names: short protein forms G205D.
Identifiers: ClinVar variation 1026378 (VCV001026378.6), dbSNP rs755620037, ClinGen allele CA4453832.